The following is an entry in ClinVar:

ClinVar aggregate classification (germline): Uncertain significance (1 of 4 stars; one submission).

Conditions:
Congenital portosystemic shunt. Identifiers: Orphanet 480531, MedGen C1290495, MONDO:0018811.

gnomAD v4.1: 5 of 1,607,492 alleles (0.00031%); highest among the groups gnomAD compares: East Asian, 0.011%; no homozygotes.

Submission:

Department of Pediatrics, Graduate School of Medical Sciences, Kyushu University
Classification: Uncertain significance for Congenital portosystemic shunt. Last evaluated: 2026-02-27. Review status: criteria provided, single submitter. Criteria: ACMG Guidelines, 2015. Collection method: research. Allele origin: germline. Affected: yes.
Comment: Both variants are rare or absent in population databases such as gnomAD, and in silico prediction tools including CADD suggest potential deleterious effects. However, the relationship between this gene and CPSS has not been established. Therefore, the clinical significance of this variant is currently classified as a variant of uncertain significance (VUS).

NM_006901.4(MYO9A):c.5989C>A (p.His1997Asn)

Gene: MYO9A (myosin IXA; minus strand). Cytogenetic location: 15q23.
Variant type: single nucleotide variant.
Coding change: c.5989C>A on transcript NM_006901.4 (MANE Select); coding-DNA position 5989, C replaced by A.
Protein change: p.His1997Asn; replaces histidine 1997 with asparagine.
Molecular consequence: missense variant.
Genome position (GRCh38, 1-based): chr15:71,862,602, G>T on the plus strand (C>A on the coding strand, the complement: MYO9A is on the minus strand). VCF-style: chr15-71862602-G-T. GRCh37 (hg19) VCF-style: chr15-72154943-G-T.
Other names: short protein forms H1997N.
Identifiers: ClinVar variation 4813090 (VCV004813090.1).
Genomic context (GRCh38, chr15:71,862,602, plus strand): 5'-AACAGTATTCACAGTATGTAGGGATGCTATATTGGGTGGCTTTAAAGATGTGACCATTGT[G>T]TTCTTCCACCTGAATGAAAAAATTTAGCTACTTATATTAAAGCCAACACAGTAAATGCTG-3'
Protein context (NP_008832.2, residues 1987-2007): RKKETDLVEE[His1997Asn]NGHIFKATQY